The following is an entry in ClinVar:

ClinVar aggregate classification (germline): Likely benign (1 of 4 stars; one submission).

gnomAD v4.1: 45 of 1,613,648 alleles (0.0028%); highest among the groups gnomAD compares: Non-Finnish European, 0.0035%; no homozygotes.

Submission:

CeGaT Center for Human Genetics Tuebingen
Classification: Likely benign. Last evaluated: 2026-09-01. Review status: criteria provided, single submitter. Criteria: CeGaT Center For Human Genetics Tuebingen Variant Classification Criteria Version 2. Collection method: clinical testing. Allele origin: germline. Affected: yes. Observed: 1 variant allele.
Comment: DNAH17: BP4, BP7

NM_173628.4(DNAH17):c.747A>G (p.Lys249=)

Gene: DNAH17 (dynein axonemal heavy chain 17; minus strand). Cytogenetic location: 17q25.3.
Variant type: single nucleotide variant.
Coding change: c.747A>G on transcript NM_173628.4 (MANE Select); coding-DNA position 747, A replaced by G.
Protein change: p.Lys249=; no amino-acid change (lysine 249 retained).
Molecular consequence: synonymous variant.
Genome position (GRCh38, 1-based): chr17:78,571,364, T>C on the plus strand (A>G on the coding strand, the complement: DNAH17 is on the minus strand). VCF-style: chr17-78571364-T-C. GRCh37 (hg19) VCF-style: chr17-76567446-T-C.
Identifiers: ClinVar variation 5040989 (VCV005040989.1).
Genomic context (GRCh38, chr17:78,571,364, plus strand): 5'-TTGCAGGGCTGGCCAGTAGCAGCTTTTGGCTTTCTCTAGGATCTCAACAATCTTGTTCAC[T>C]TTGGGTCTGTTTAGCTGAGAAGGGGAGTGAAGATCCACCTTTCATTGACCTGGAAGACCC-3'
Protein context (NP_775899.3, residues 239-259): KCIHEQLNRP[Lys249=]VNKIVEILEK